The following is an entry in ClinVar:

NM_004304.5(ALK):c.3062G>C (p.Cys1021Ser)

Gene: ALK (ALK receptor tyrosine kinase; minus strand). Cytogenetic location: 2p23.2.
Variant type: single nucleotide variant.
Coding change: c.3062G>C on transcript NM_004304.5 (MANE Select); coding-DNA position 3062, G replaced by C.
Protein change: p.Cys1021Ser; replaces cysteine 1021 with serine.
Molecular consequence: missense variant.
Genome position (GRCh38, 1-based): chr2:29,226,927, C>G on the plus strand (G>C on the coding strand, the complement: ALK is on the minus strand). VCF-style: chr2-29226927-C-G. GRCh37 (hg19) VCF-style: chr2-29449793-C-G.
Other names: short protein forms C1021S.
Identifiers: ClinVar variation 1716721 (VCV001716721.5), dbSNP rs755251074, ClinGen allele CA1594105.

ClinVar aggregate classification (germline): Uncertain significance (1 of 4 stars; one submission).

Conditions:
Neuroblastoma, susceptibility to, 3. Also called: ALK-Related Neuroblastic Tumor Susceptibility. Identifiers: Orphanet 635, MedGen C2751681, MONDO:0013083, OMIM 613014.

Allele frequency attached by ClinVar (database versions not stated): gnomAD exomes below 0.00001; ExAC 0.00001.
gnomAD v4.1: 1 of 1,614,194 alleles (0.000062%); highest among the groups gnomAD compares: East Asian, 0.0022%; no homozygotes.

Submission:

Labcorp Genetics (formerly Invitae), Labcorp
Classification: Uncertain significance for Neuroblastoma, susceptibility to, 3. Last evaluated: 2022-08-19. Review status: criteria provided, single submitter. Criteria: Invitae Variant Classification Sherloc (09022015). Collection method: clinical testing. Allele origin: germline.
Comment: This variant has not been reported in the literature in individuals affected with ALK-related conditions. This sequence change replaces cysteine, which is neutral and slightly polar, with serine, which is neutral and polar, at codon 1021 of the ALK protein (p.Cys1021Ser). This variant is present in population databases (rs755251074, gnomAD 0.006%). Algorithms developed to predict the effect of missense changes on protein structure and function (SIFT, PolyPhen-2, Align-GVGD) all suggest that this variant is likely to be disruptive. In summary, the available evidence is currently insufficient to determine the role of this variant in disease. Therefore, it has been classified as a Variant of Uncertain Significance.